The following is an entry in ClinVar:

NM_001146.5(ANGPT1):c.946A>G (p.Asn316Asp)

Gene: ANGPT1 (angiopoietin 1; minus strand). Cytogenetic location: 8q23.1.
Variant type: single nucleotide variant.
Coding change: c.946A>G on transcript NM_001146.5 (MANE Select); coding-DNA position 946, A replaced by G.
Protein change: p.Asn316Asp; replaces asparagine 316 with aspartic acid.
Molecular consequence: missense variant.
Genome position (GRCh38, 1-based): chr8:107,294,028, T>C on the plus strand (A>G on the coding strand, the complement: ANGPT1 is on the minus strand). VCF-style: chr8-107294028-T-C. GRCh37 (hg19) VCF-style: chr8-108306256-T-C.
Other names: c.943A>G, p.Asn315Asp (NM_001199859.3); c.346A>G, p.Asn116Asp (NM_001314051.2); short protein forms N316D, N116D, N315D.
Identifiers: ClinVar variation 1387950 (VCV001387950.6), dbSNP rs947687073, ClinGen allele CA183450836.

ClinVar aggregate classification (germline): Uncertain significance (1 of 4 stars; one submission).

Allele frequency attached by ClinVar (database versions not stated): gnomAD exomes below 0.00001; gnomAD 0.00001; TOPMed 0.00005.
gnomAD v4.1: 5 of 1,611,138 alleles (0.00031%); highest among the groups gnomAD compares: Admixed American, 0.0067%; no homozygotes.

Submission:

Labcorp Genetics (formerly Invitae), Labcorp
Classification: Uncertain significance. Last evaluated: 2025-12-29. Review status: criteria provided, single submitter. Criteria: Invitae Variant Classification Sherloc (09022015). Collection method: clinical testing. Allele origin: germline.
Comment: This sequence change replaces asparagine, which is neutral and polar, with aspartic acid, which is acidic and polar, at codon 316 of the ANGPT1 protein (p.Asn316Asp). This variant is not present in population databases (gnomAD no frequency). This variant has not been reported in the literature in individuals affected with ANGPT1-related conditions. ClinVar contains an entry for this variant (Variation ID: 1387950). An algorithm developed to predict the effect of missense changes on protein structure and function (PolyPhen-2) suggests that this variant is likely to be disruptive. In summary, the available evidence is currently insufficient to determine the role of this variant in disease. Therefore, it has been classified as a Variant of Uncertain Significance.